The following is an entry in ClinVar:

ClinVar aggregate classification (germline): Uncertain significance (1 of 4 stars; one submission).

Allele frequency attached by ClinVar (database versions not stated): gnomAD exomes below 0.00001; ExAC 0.00001; TOPMed 0.00001.
gnomAD v4.1: 1 of 1,614,230 alleles (0.000062%); highest among the groups gnomAD compares: Non-Finnish European, 0.000085%; no homozygotes.

Submission:

Labcorp Genetics (formerly Invitae), Labcorp
Classification: Uncertain significance. Last evaluated: 2025-02-24. Review status: criteria provided, single submitter. Criteria: Invitae Variant Classification Sherloc (09022015). Collection method: clinical testing. Allele origin: germline.
Comment: This sequence change replaces cysteine, which is neutral and slightly polar, with tyrosine, which is neutral and polar, at codon 1425 of the LAMB1 protein (p.Cys1425Tyr). This variant is present in population databases (rs752713744, gnomAD 0.0009%). This variant has not been reported in the literature in individuals affected with LAMB1-related conditions. ClinVar contains an entry for this variant (Variation ID: 1915095). An algorithm developed to predict the effect of missense changes on protein structure and function (PolyPhen-2) suggests that this variant is likely to be disruptive. In summary, the available evidence is currently insufficient to determine the role of this variant in disease. Therefore, it has been classified as a Variant of Uncertain Significance.

NM_002291.3(LAMB1):c.4274G>A (p.Cys1425Tyr)

Gene: LAMB1 (laminin subunit beta 1; minus strand). Cytogenetic location: 7q31.1.
Variant type: single nucleotide variant.
Coding change: c.4274G>A on transcript NM_002291.3 (MANE Select); coding-DNA position 4274, G replaced by A.
Protein change: p.Cys1425Tyr; replaces cysteine 1425 with tyrosine.
Molecular consequence: missense variant.
Genome position (GRCh38, 1-based): chr7:107,932,292, C>T on the plus strand (G>A on the coding strand, the complement: LAMB1 is on the minus strand). VCF-style: chr7-107932292-C-T. GRCh37 (hg19) VCF-style: chr7-107572737-C-T.
Other names: short protein forms C1425Y.
Identifiers: ClinVar variation 1915095 (VCV001915095.5), dbSNP rs752713744, ClinGen allele CA4435085.
Genomic context (GRCh38, chr7:107,932,292, plus strand): 5'-ATGGCTTTCTGCCAGGCGTTGTGTGCAACAGTAACCAGACCACCACAGCCAGGCCCCCCA[C>T]ACTTCCTCTCTCCTTCGTCAGTTCTGCAGTTTGGCCCGCCACATTCAGTCTCGGAACAGG-3'
Protein context (NP_002282.2, residues 1415-1435): NCRTDEGERK[Cys1425Tyr]GGPGCGGLVT